The following is an entry in ClinVar:

ClinVar aggregate classification (germline): Uncertain significance (1 of 4 stars; one submission).

Submission:

Labcorp Genetics (formerly Invitae), Labcorp
Classification: Uncertain significance. Last evaluated: 2025-12-21. Review status: criteria provided, single submitter. Criteria: Invitae Variant Classification Sherloc (09022015). Collection method: clinical testing. Allele origin: germline.
Comment: This sequence change creates a premature translational stop signal (p.Ser656*) in the KCNQ5 gene. While this is not anticipated to result in nonsense mediated decay, it is expected to disrupt the last 296 amino acid(s) of the KCNQ5 protein. This variant is not present in population databases (gnomAD no frequency). This variant has not been reported in the literature in individuals affected with KCNQ5-related conditions. Experimental studies and prediction algorithms are not available or were not evaluated, and the functional significance of this variant is currently unknown. In summary, the available evidence is currently insufficient to determine the role of this variant in disease. Therefore, it has been classified as a Variant of Uncertain Significance.

NM_019842.4(KCNQ5):c.1910C>G (p.Ser637Ter)

Gene: KCNQ5 (potassium voltage-gated channel subfamily Q member 5; plus strand). Cytogenetic location: 6q13.
Variant type: single nucleotide variant.
Coding change: c.1910C>G on transcript NM_019842.4 (MANE Select); coding-DNA position 1910, C replaced by G.
Protein change: p.Ser637Ter; replaces serine 637 with a stop codon.
Molecular consequence: nonsense.
Genome position (GRCh38, 1-based): chr6:73,194,525, C>G. VCF-style: chr6-73194525-C-G. GRCh37 (hg19) VCF-style: chr6-73904248-C-G.
Other names: c.1883C>G, p.Ser628Ter (NM_001160130.2); c.1940C>G, p.Ser647Ter (NM_001160132.2); c.1967C>G, p.Ser656Ter (NM_001160133.2); c.1580C>G, p.Ser527Ter (NM_001160134.2); short protein forms S656*, S527*, S628*, S647*, S637*.
Identifiers: ClinVar variation 4733805 (VCV004733805.1).